The following is an entry in ClinVar:

NM_015161.3(ARL6IP1):c.493+5G>A

Gene: ARL6IP1 (ARL6 interacting reticulophagy regulator 1; minus strand). Cytogenetic location: 16p12.3.
Variant type: single nucleotide variant.
Coding change: c.493+5G>A on transcript NM_015161.3 (MANE Select); 5 bases into the intron after coding-DNA position 493, G replaced by A.
Molecular consequence: intron variant.
Genome position (GRCh38, 1-based): chr16:18,794,594, C>T on the plus strand (G>A on the coding strand, the complement: ARL6IP1 is on the minus strand). VCF-style: chr16-18794594-C-T. GRCh37 (hg19) VCF-style: chr16-18805916-C-T.
Other names: c.406+5G>A (NM_001313858.1).
Identifiers: ClinVar variation 2089281 (VCV002089281.4), dbSNP rs756391857, ClinGen allele CA7929441.
Genomic context (GRCh38, chr16:18,794,594, plus strand): 5'-CTGACGAAGTTACAGTTAAATTTCACTGGCCAGGATGTGCCTGTAGTTTTTCCTCAAAGA[C>T]TTACCTATCAGGTAGGTGAGAAGCAGGTTGTGGACTTGTTGTCCCACCCAAGCAACCGCA-3'

ClinVar aggregate classification (germline): Uncertain significance (1 of 4 stars; one submission).

Conditions:
Hereditary spastic paraplegia 61. Also called: Spastic paraplegia 61, autosomal recessive. Identifiers: Orphanet 401780, MedGen C3810294, MONDO:0014304, OMIM 615685.

Allele frequency attached by ClinVar (database versions not stated): ExAC 0.00001; gnomAD exomes 0.00001; TOPMed 0.00001; gnomAD 0.00002.
gnomAD v4.1: 14 of 1,611,704 alleles (0.00087%); highest among the groups gnomAD compares: African/African-American, 0.0027%; no homozygotes.

Submission:

Labcorp Genetics (formerly Invitae), Labcorp
Classification: Uncertain significance for Hereditary spastic paraplegia 61. Last evaluated: 2022-03-26. Review status: criteria provided, single submitter. Criteria: Invitae Variant Classification Sherloc (09022015). Collection method: clinical testing. Allele origin: germline.
Comment: This variant has not been reported in the literature in individuals affected with ARL6IP1-related conditions. In summary, the available evidence is currently insufficient to determine the role of this variant in disease. Therefore, it has been classified as a Variant of Uncertain Significance. Variants that disrupt the consensus splice site are a relatively common cause of aberrant splicing (PMID: 17576681, 9536098). Algorithms developed to predict the effect of sequence changes on RNA splicing suggest that this variant may disrupt the consensus splice site. This variant is present in population databases (rs756391857, gnomAD 0.003%). This sequence change falls in intron 5 of the ARL6IP1 gene. It does not directly change the encoded amino acid sequence of the ARL6IP1 protein. It affects a nucleotide within the consensus splice site.

Literature cited by the submitters: PubMed 17576681; PubMed 9536098.